The following is an entry in ClinVar:

ClinVar aggregate classification (germline): Likely benign (1 of 4 stars; one submission).

Allele frequency attached by ClinVar (database versions not stated): 1000 Genomes Project 0.00020; 1000 Genomes Project 30x 0.00031; TOPMed 0.00065; ExAC 0.00086; gnomAD 0.00094; gnomAD exomes 0.00097; ESP Exome Variant Server 0.00115.
gnomAD v4.1: 1,529 of 1,614,156 alleles (0.095%); highest among the groups gnomAD compares: Non-Finnish European, 0.12%; 1 homozygote.

Submission:

CeGaT Center for Human Genetics Tuebingen
Classification: Likely benign. Last evaluated: 2022-06-01. Review status: criteria provided, single submitter. Criteria: CeGaT Center For Human Genetics Tuebingen Variant Classification Criteria Version 2. Collection method: clinical testing. Allele origin: germline. Affected: yes. Observed: 1 variant allele.
Comment: GCNT4: BP4, BP7

NM_001366737.1(GCNT4):c.327T>C (p.Asp109=)

Gene: GCNT4 (glucosaminyl (N-acetyl) transferase 4; minus strand). Cytogenetic location: 5q13.3.
Variant type: single nucleotide variant.
Coding change: c.327T>C on transcript NM_001366737.1 (MANE Select); coding-DNA position 327, T replaced by C.
Protein change: p.Asp109=; no amino-acid change (aspartic acid 109 retained).
Molecular consequence: synonymous variant.
Genome position (GRCh38, 1-based): chr5:75,029,711, A>G on the plus strand (T>C on the coding strand, the complement: GCNT4 is on the minus strand). VCF-style: chr5-75029711-A-G. GRCh37 (hg19) VCF-style: chr5-74325536-A-G.
Identifiers: ClinVar variation 2655533 (VCV002655533.24), dbSNP rs145008839, ClinGen allele CA3307822.